The following is an entry in ClinVar:

ClinVar aggregate classification (germline): Uncertain significance. Review status: criteria provided, multiple submitters, no conflicts (2 of 4 stars). 2 submissions from 2 submitters: Uncertain significance (2). Last evaluated 2024-04-18.

Conditions:
Primary ciliary dyskinesia. Also called: Ciliary dyskinesia. Identifiers: Orphanet 244, MedGen C0008780, MONDO:0016575, HP:0012265.

Allele frequency attached by ClinVar (database versions not stated): gnomAD exomes below 0.00001; gnomAD 0.00001; TOPMed 0.00002; ESP Exome Variant Server 0.00008.
gnomAD v4.1: 6 of 1,613,790 alleles (0.00037%); highest among the groups gnomAD compares: African/African-American, 0.0053%; no homozygotes.

Submissions (2):

Ambry Genetics
Classification: Uncertain significance for Primary ciliary dyskinesia. Last evaluated: 2024-04-18. Review status: criteria provided, single submitter. Criteria: Ambry Variant Classification Scheme 2023. Collection method: clinical testing. Allele origin: germline.

Labcorp Genetics (formerly Invitae), Labcorp
Classification: Uncertain significance for Primary ciliary dyskinesia. Last evaluated: 2022-08-27. Review status: criteria provided, single submitter. Criteria: Invitae Variant Classification Sherloc (09022015). Collection method: clinical testing. Allele origin: germline.
Comment: In summary, the available evidence is currently insufficient to determine the role of this variant in disease. Therefore, it has been classified as a Variant of Uncertain Significance. Algorithms developed to predict the effect of missense changes on protein structure and function are either unavailable or do not agree on the potential impact of this missense change (SIFT: "Deleterious"; PolyPhen-2: "Probably Damaging"; Align-GVGD: "Class C0"). This variant has not been reported in the literature in individuals affected with DNAAF3-related conditions. This variant is present in population databases (rs375170399, gnomAD 0.008%). This sequence change replaces glycine, which is neutral and non-polar, with serine, which is neutral and polar, at codon 57 of the DNAAF3 protein (p.Gly57Ser).

NM_001256715.2(DNAAF3):c.28G>A (p.Gly10Ser)

Genes: DNAAF3 (dynein axonemal assembly factor 3; minus strand), DNAAF3-AS1 (DNAAF3 antisense RNA 1; plus strand). Cytogenetic location: 19q13.42.
Variant type: single nucleotide variant.
Coding change: c.28G>A on transcript NM_001256715.2 (MANE Select); coding-DNA position 28, G replaced by A.
Protein change: p.Gly10Ser; replaces glycine 10 with serine.
Molecular consequence: missense variant. On other transcripts: 5 prime UTR variant (1).
Genome position (GRCh38, 1-based): chr19:55,166,386, C>T on the plus strand (G>A on the coding strand, the complement: DNAAF3 is on the minus strand). VCF-style: chr19-55166386-C-T. GRCh37 (hg19) VCF-style: chr19-55677754-C-T.
Other names: c.169G>A, p.Gly57Ser (NM_001256714.1, NM_178837.4); c.-211G>A (NM_001256716.2); short protein forms G10S, G57S.
Identifiers: ClinVar variation 1990545 (VCV001990545.5), dbSNP rs375170399, ClinGen allele CA310157201.
Genomic context (GRCh38, chr19:55,166,386, plus strand): 5'-CACTTTCAGCCTGCAGGTCCAGCGCCGGGGACAGGCCCCACCAGGACACGGAGCCGAAGC[C>T]GCTGCCGGAGCCGGCAGGTGTGGTCATCACCCTGCGGAAAAGACATTCTGGGAATCGCAC-3'
Protein context (NP_001243644.1, residues 1-20): MTTPAGSGS[Gly10Ser]FGSVSWWGLS